The following is an entry in ClinVar:

NM_001098.3(ACO2):c.793G>A (p.Val265Met)

Gene: ACO2 (aconitase 2; plus strand). Cytogenetic location: 22q13.2.
Variant type: single nucleotide variant.
Coding change: c.793G>A on transcript NM_001098.3 (MANE Select); coding-DNA position 793, G replaced by A.
Protein change: p.Val265Met; replaces valine 265 with methionine.
Molecular consequence: missense variant.
Genome position (GRCh38, 1-based): chr22:41,515,875, G>A. VCF-style: chr22-41515875-G-A. GRCh37 (hg19) VCF-style: chr22-41911879-G-A.
Other names: c.793G>A (NM_001098.2); short protein forms V265M.
Identifiers: ClinVar variation 1042341 (VCV001042341.11), dbSNP rs1211716554, ClinGen allele CA411720569.
Genomic context (GRCh38, chr22:41,515,875, plus strand): 5'-AAAGATGTGATCCTGAAGGTGGCAGGCATCCTCACGGTGAAAGGTGGCACAGGTGCAATC[G>A]TGGAATACCACGGGCCTGGTGTAGACTCCATCTCCTGCACTGGTGAGGAAGGCGGCCAGG-3'
Protein context (NP_001089.1, residues 255-275): LTVKGGTGAI[Val265Met]EYHGPGVDSI

ClinVar aggregate classification (germline): Uncertain significance. Review status: criteria provided, multiple submitters, no conflicts (2 of 4 stars). 2 submissions from 2 submitters: Uncertain significance (2). Last evaluated 2025-01-30.

Conditions:
Inborn genetic diseases. Identifiers: MedGen C0950123, MeSH D030342.

gnomAD v4.1: 10 of 1,614,214 alleles (0.00062%); highest among the groups gnomAD compares: East Asian, 0.013%; no homozygotes.

Submissions (2):

Labcorp Genetics (formerly Invitae), Labcorp
Classification: Uncertain significance. Last evaluated: 2025-01-30. Review status: criteria provided, single submitter. Criteria: Invitae Variant Classification Sherloc (09022015). Collection method: clinical testing. Allele origin: germline.
Comment: This sequence change replaces valine, which is neutral and non-polar, with methionine, which is neutral and non-polar, at codon 265 of the ACO2 protein (p.Val265Met). This variant is present in population databases (no rsID available, gnomAD 0.007%). This variant has not been reported in the literature in individuals affected with ACO2-related conditions. ClinVar contains an entry for this variant (Variation ID: 1042341). Invitae Evidence Modeling of protein sequence and biophysical properties (such as structural, functional, and spatial information, amino acid conservation, physicochemical variation, residue mobility, and thermodynamic stability) indicates that this missense variant is not expected to disrupt ACO2 protein function with a negative predictive value of 80%. In summary, the available evidence is currently insufficient to determine the role of this variant in disease. Therefore, it has been classified as a Variant of Uncertain Significance.

Ambry Genetics
Classification: Uncertain significance for Inborn genetic diseases. Last evaluated: 2024-01-30. Review status: criteria provided, single submitter. Criteria: Ambry Variant Classification Scheme 2023. Collection method: clinical testing. Allele origin: germline.